The following is an entry in ClinVar:

NM_173660.5(DOK7):c.1228A>C (p.Ser410Arg)

Gene: DOK7 (docking protein 7; plus strand). Cytogenetic location: 4p16.3.
Variant type: single nucleotide variant.
Coding change: c.1228A>C on transcript NM_173660.5 (MANE Select); coding-DNA position 1228, A replaced by C.
Protein change: p.Ser410Arg; replaces serine 410 with arginine.
Molecular consequence: missense variant. On other transcripts: 3 prime UTR variant (1).
Genome position (GRCh38, 1-based): chr4:3,493,214, A>C. VCF-style: chr4-3493214-A-C. GRCh37 (hg19) VCF-style: chr4-3494941-A-C.
Other names: c.*449A>C (NM_001164673.2); c.298A>C, p.Ser100Arg (NM_001256896.2); c.1228A>C, p.Ser410Arg (NM_001301071.2); c.796A>C, p.Ser266Arg (NM_001363811.2); short protein forms S410R, S100R, S266R.
Identifiers: ClinVar variation 581162 (VCV000581162.8), dbSNP rs547633164, ClinGen allele CA356117591.
Genomic context (GRCh38, chr4:3,493,214, plus strand): 5'-CCCGGGACAGTCGAGTACCAGGTGCCCACCTCCCTGCGGGCCCACTATGACACACCACGC[A>C]GCCTTTGCCTGGCTCCTAGAGACCACAGCCCCCCCTCACAGGGCAGCCCCGGCAACAGTG-3'
Protein context (NP_775931.3, residues 400-420): SLRAHYDTPR[Ser410Arg]LCLAPRDHSP

ClinVar aggregate classification (germline): Uncertain significance (1 of 4 stars; one submission).

Conditions:
Fetal akinesia deformation sequence 1 (FADS1). Also called: Pena-Shokeir syndrome type I; Fetal akinesia sequence. Identifiers: Orphanet 994, MedGen C1276035, MONDO:0100101, OMIM 208150, HP:0001989.
Congenital myasthenic syndrome 10. Also called: Myasthenia, limb-girdle, familial. Identifiers: Orphanet 590, MedGen C1850792, MONDO:0009690, OMIM 254300.

gnomAD v4.1: 2 of 1,611,926 alleles (0.00012%); highest among the groups gnomAD compares: Admixed American, 0.0033%; no homozygotes.

Submission:

Labcorp Genetics (formerly Invitae), Labcorp
Classification: Uncertain significance for Congenital myasthenic syndrome 10; Fetal akinesia deformation sequence 1. Last evaluated: 2022-09-07. Review status: criteria provided, single submitter. Criteria: Invitae Variant Classification Sherloc (09022015). Collection method: clinical testing. Allele origin: germline.
Comment: This sequence change replaces serine, which is neutral and polar, with arginine, which is basic and polar, at codon 410 of the DOK7 protein (p.Ser410Arg). This variant is present in population databases (no rsID available, gnomAD 0.003%). This variant has not been reported in the literature in individuals affected with DOK7-related conditions. ClinVar contains an entry for this variant (Variation ID: 581162). Algorithms developed to predict the effect of missense changes on protein structure and function output the following: SIFT: "Deleterious"; PolyPhen-2: "Probably Damaging"; Align-GVGD: "Class C0". The arginine amino acid residue is found in multiple mammalian species, which suggests that this missense change does not adversely affect protein function. In summary, the available evidence is currently insufficient to determine the role of this variant in disease. Therefore, it has been classified as a Variant of Uncertain Significance.